The following is an entry in ClinVar:

NM_194454.3(KRIT1):c.1933_1936dup (p.Thr646fs)

Gene: KRIT1 (KRIT1 ankyrin repeat containing; minus strand). Cytogenetic location: 7q21.2.
Variant type: Duplication.
Coding change: c.1933_1936dup on transcript NM_194454.3 (MANE Select); coding-DNA positions 1933 to 1936, 4 bases duplicated (TTTA; older notation c.1933_1936dupTTTA).
Protein change: p.Thr646fs; shifts the reading frame from threonine 646.
Molecular consequence: frameshift variant.
Genome position (GRCh38, 1-based): chr7:92,213,284-92,213,287, TAAA duplicated on the plus strand (TTTA on the coding strand, the reverse complement: KRIT1 is on the minus strand); duplicating any 4 consecutive bases within chr7:92,213,284-92,213,289 gives the same sequence; the c. name uses the placement nearest the transcript's 3' end. VCF-style (leftmost placement, unchanged base first): chr7-92213283-G-GTAAA. GRCh37 (hg19) VCF-style: chr7-91842597-G-GTAAA.
Other names: c.1789_1792dup, p.Thr598fs (NM_001013406.2, NM_001350669.1, NM_001350670.1); c.1219_1222dup, p.Thr408fs (NM_001350671.1); c.1933_1936dup, p.Thr646fs (NM_001350672.1, NM_001350673.1, NM_001350674.1 and 26 more transcripts); short protein forms T408fs, T646fs, T598fs.
Identifiers: ClinVar variation 2110625 (VCV002110625.4), dbSNP rs1490051866, ClinGen allele CA576706277.
Genomic context (GRCh38, chr7:92,213,283, plus strand): 5'-CCTTTTATATTCACTCCTACATACACAGGGATGACTTTATGATTGCTGGGGCTTGCCTTT[G>GTAAA]TAAATATCTGTCCTGTGAAAAATGCTGCTCCATAAGTAGGAATTTCCCAGCAATTCTGTA-3'

ClinVar aggregate classification (germline): Pathogenic (1 of 4 stars; one submission).

Conditions:
Cerebral cavernous malformation (CCM). Also called: CAVERNOUS ANGIOMA, FAMILIAL; CAVERNOUS ANGIOMATOUS MALFORMATIONS; CEREBRAL CAPILLARY MALFORMATIONS; Cerebral cavernous hemangioma (type); Cerebral cavernous malformations; Cavernous Hemangioma of Brain. Identifiers: Orphanet 221061, MedGen C2919945, MONDO:0000820, OMIM 116860, HP:0033522.

Submission:

Labcorp Genetics (formerly Invitae), Labcorp
Classification: Pathogenic for Cerebral cavernous malformation. Last evaluated: 2022-05-07. Review status: criteria provided, single submitter. Criteria: Invitae Variant Classification Sherloc (09022015). Collection method: clinical testing. Allele origin: germline.
Comment: For these reasons, this variant has been classified as Pathogenic. This variant has not been reported in the literature in individuals affected with KRIT1-related conditions. This variant is present in population databases (no rsID available, gnomAD 0.006%). This sequence change creates a premature translational stop signal (p.Thr646Ilefs*10) in the KRIT1 gene. It is expected to result in an absent or disrupted protein product. Loss-of-function variants in KRIT1 are known to be pathogenic (PMID: 10508515, 11222804, 12404106, 24689081).

Literature cited by the submitters: PubMed 10508515; PubMed 11222804; PubMed 12404106; PubMed 24689081.